The following is an entry in ClinVar:

NM_014727.3(KMT2B):c.5388G>A (p.Glu1796=)

Gene: KMT2B (lysine methyltransferase 2B; plus strand). Cytogenetic location: 19q13.12.
Variant type: single nucleotide variant.
Coding change: c.5388G>A on transcript NM_014727.3 (MANE Select); coding-DNA position 5388, G replaced by A.
Protein change: p.Glu1796=; no amino-acid change (glutamic acid 1796 retained).
Molecular consequence: synonymous variant.
Genome position (GRCh38, 1-based): chr19:35,730,818, G>A. VCF-style: chr19-35730818-G-A. GRCh37 (hg19) VCF-style: chr19-36221719-G-A.
Other names: c.5388G>A (NM_014727.2).
Identifiers: ClinVar variation 1643968 (VCV001643968.10), dbSNP rs574275341, ClinGen allele CA9385388.

ClinVar aggregate classification (germline): Likely benign. Review status: criteria provided, single submitter (1 of 4 stars). 2 submissions from 2 submitters: Likely benign (1). 1 of the submissions does not count toward it. Last evaluated 2025-03-03.

Conditions:
KMT2B-related disorder. Also called: KMT2B-related disorders; KMT2B-related condition. Identifiers: MedGen CN381338.

Allele frequency attached by ClinVar (database versions not stated): gnomAD exomes 0.00001; ExAC 0.00002; gnomAD 0.00009 and 0.00011; TOPMed 0.00009; 1000 Genomes Project 30x 0.00016; 1000 Genomes Project 0.00020.
gnomAD v4.1: 27 of 1,613,436 alleles (0.0017%); highest among the groups gnomAD compares: African/African-American, 0.033%; no homozygotes.

Submissions (2):

Labcorp Genetics (formerly Invitae), Labcorp
Classification: Likely benign. Last evaluated: 2025-03-03. Review status: criteria provided, single submitter. Criteria: Invitae Variant Classification Sherloc (09022015). Collection method: clinical testing. Allele origin: germline.

PreventionGenetics, part of Exact Sciences
Classification: Likely benign for KMT2B-related condition. Last evaluated: 2019-09-11. Review status: no assertion criteria provided. Collection method: clinical testing. Allele origin: germline. Not counted in ClinVar's aggregate classification.
Comment: This variant is classified as likely benign based on ACMG/AMP sequence variant interpretation guidelines (Richards et al. 2015 PMID: 25741868, with internal and published modifications).